The following is an entry in ClinVar:

ClinVar aggregate classification (germline): Uncertain significance. Review status: criteria provided, multiple submitters, no conflicts (2 of 4 stars). 2 submissions from 2 submitters: Uncertain significance (2). Last evaluated 2025-03-08.

Conditions:
Dyskeratosis congenita, autosomal recessive 5 (DKCB5). Identifiers: MedGen C3554656, MONDO:0014076, OMIM 615190.
Pulmonary fibrosis and/or bone marrow failure, Telomere-related, 3. Also called: PULMONARY FIBROSIS AND/OR BONE MARROW FAILURE SYNDROME, TELOMERE-RELATED, 3. Identifiers: Orphanet 2032, MedGen C4225346, MONDO:0014613, OMIM 616373.
Inborn genetic diseases. Identifiers: MedGen C0950123, MeSH D030342.

gnomAD v4.1: 2 of 1,613,958 alleles (0.00012%); highest among the groups gnomAD compares: African/African-American, 0.0027%; no homozygotes.

Submissions (2):

Ambry Genetics
Classification: Uncertain significance for Inborn genetic diseases. Last evaluated: 2025-03-08. Review status: criteria provided, single submitter. Criteria: Ambry Variant Classification Scheme 2023. Collection method: clinical testing. Allele origin: germline.
Comment: The p.E149D variant (also known as c.447G>C), located in coding exon 4 of the RTEL1 gene, results from a G to C substitution at nucleotide position 447. The glutamic acid at codon 149 is replaced by aspartic acid, an amino acid with highly similar properties. This amino acid position is conserved. In addition, this alteration is predicted to be tolerated by in silico analysis. Based on the available evidence, the clinical significance of this variant remains unclear.

Labcorp Genetics (formerly Invitae), Labcorp
Classification: Uncertain significance for Dyskeratosis congenita, autosomal recessive 5; Pulmonary fibrosis and/or bone marrow failure, Telomere-related, 3. Last evaluated: 2024-06-20. Review status: criteria provided, single submitter. Criteria: Invitae Variant Classification Sherloc (09022015). Collection method: clinical testing. Allele origin: germline.
Comment: This sequence change replaces glutamic acid, which is acidic and polar, with aspartic acid, which is acidic and polar, at codon 149 of the RTEL1 protein (p.Glu149Asp). This variant is not present in population databases (gnomAD no frequency). This variant has not been reported in the literature in individuals affected with RTEL1-related conditions. An algorithm developed to predict the effect of missense changes on protein structure and function (PolyPhen-2) suggests that this variant is likely to be tolerated. In summary, the available evidence is currently insufficient to determine the role of this variant in disease. Therefore, it has been classified as a Variant of Uncertain Significance.

NM_001283009.2(RTEL1):c.447G>C (p.Glu149Asp)

Genes: RTEL1 (regulator of telomere elongation helicase 1; plus strand), RTEL1-TNFRSF6B (RTEL1-TNFRSF6B readthrough (NMD candidate); plus strand). Cytogenetic location: 20q13.33.
Variant type: single nucleotide variant.
Coding change: c.447G>C on transcript NM_001283009.2 (MANE Select); coding-DNA position 447, G replaced by C.
Protein change: p.Glu149Asp; replaces glutamic acid 149 with aspartic acid.
Molecular consequence: missense variant. On other transcripts: non-coding transcript variant (1), 5 prime UTR variant (1).
Genome position (GRCh38, 1-based): chr20:63,662,597, G>C. VCF-style: chr20-63662597-G-C. GRCh37 (hg19) VCF-style: chr20-62293950-G-C.
Other names: c.-223G>C (NM_001283010.1); c.447G>C, p.Glu149Asp (NM_016434.4); c.519G>C, p.Glu173Asp (NM_032957.5); short protein forms E149D, E173D.
Identifiers: ClinVar variation 3762988 (VCV003762988.3).